The following is an entry in ClinVar:

NM_000789.4(ACE):c.2780T>C (p.Phe927Ser)

Gene: ACE (angiotensin I converting enzyme; plus strand). Cytogenetic location: 17q23.3.
Variant type: single nucleotide variant.
Coding change: c.2780T>C on transcript NM_000789.4 (MANE Select); coding-DNA position 2780, T replaced by C.
Protein change: p.Phe927Ser; replaces phenylalanine 927 with serine.
Molecular consequence: missense variant. On other transcripts: non-coding transcript variant (1).
Genome position (GRCh38, 1-based): chr17:63,491,249, T>C. VCF-style: chr17-63491249-T-C. GRCh37 (hg19) VCF-style: chr17-61568610-T-C.
Other names: c.1058T>C, p.Phe353Ser (NM_001178057.2, NM_152830.3); c.2213T>C, p.Phe738Ser (NM_001382700.1); c.1928T>C, p.Phe643Ser (NM_001382701.1); c.518T>C, p.Phe173Ser (NM_001382702.1); short protein forms F353S, F643S, F738S, F173S, F927S.
Identifiers: ClinVar variation 4999531 (VCV004999531.1).
Genomic context (GRCh38, chr17:63,491,249, plus strand): 5'-AGAACTCCCTCTGCTTGCAGGGCTGGACGCCCAGGAGGATGTTTAAGGAGGCTGATGATT[T>C]CTTCACCTCCCTGGGGCTGCTGCCCGTGCCTCCTGAGTTCTGGAACAAGTCGATGCTGGA-3'
Protein context (NP_000780.1, residues 917-937): PRRMFKEADD[Phe927Ser]FTSLGLLPVP

ClinVar aggregate classification (germline): Uncertain significance (1 of 4 stars; one submission).

Conditions:
ACE-related disorder. Also called: ACE-related condition; ACE-related disorders.

Submission:

PreventionGenetics, part of Exact Sciences
Classification: Uncertain significance for ACE-related condition. Last evaluated: 2024-12-02. Review status: criteria provided, single submitter. Criteria: ACMG Guidelines, 2015. Collection method: clinical testing. Allele origin: germline.
Comment: The ACE c.2780T>C variant is predicted to result in the amino acid substitution p.Phe927Ser. To our knowledge, this variant has not been reported in the literature or in a large population database (gnomAD), indicating this variant is rare. At this time, the clinical significance of this variant is uncertain due to the absence of conclusive functional and genetic evidence.